The following is an entry in ClinVar:

ClinVar aggregate classification (germline): Conflicting classifications of pathogenicity. Review status: criteria provided, conflicting classifications (1 of 4 stars). 3 submissions from 3 submitters: Uncertain significance (2); Likely benign (1). Last evaluated 2026-01-12.

Conditions:
Intestinal hypomagnesemia 1. Also called: HYPOMAGNESEMIA, INTESTINAL, WITH SECONDARY HYPOCALCEMIA; HYPOMAGNESEMIC TETANY. Identifiers: Orphanet 30924, MedGen C1865974, MONDO:0011176, OMIM 602014.

Allele frequency attached by ClinVar (database versions not stated): 1000 Genomes Project 30x 0.00016; 1000 Genomes Project 0.00020; gnomAD 0.00021; ExAC 0.00024; TOPMed 0.00024; gnomAD exomes 0.00030; ESP Exome Variant Server 0.00038.
gnomAD v4.1: 249 of 1,614,140 alleles (0.015%); highest among the groups gnomAD compares: Middle Eastern, 0.15%; 1 homozygote.

Submissions (3):

Labcorp Genetics (formerly Invitae), Labcorp
Classification: Likely benign. Last evaluated: 2026-01-12. Review status: criteria provided, single submitter. Criteria: Invitae Variant Classification Sherloc (09022015). Collection method: clinical testing. Allele origin: germline.

Department of Pathology and Laboratory Medicine, Sinai Health System
Classification: Uncertain significance for Intestinal hypomagnesemia 1. Last evaluated: 2023-02-06. Review status: criteria provided, single submitter. Criteria: ACMG Guidelines, 2015. Collection method: research. Allele origin: germline.

GeneDx
Classification: Uncertain significance. Last evaluated: 2018-05-15. Review status: criteria provided, single submitter. Criteria: GeneDx Variant Classification (06012015). Collection method: clinical testing. Allele origin: germline. Affected: yes.
Comment: The A167S variant in the TRPM6 gene has not been reported previously as a pathogenic variant, nor as a benign variant, to our knowledge. The A167S variant is observed in 40/10,150 (0.39%) alleles from individuals of Ashkenazi Jewish background in large population cohorts (Lek et al., 2016). The A167S variant is a non-conservative amino acid substitution, which is likely to impact secondary protein structure as these residues differ in polarity, charge, size and/or other properties. In-silico analyses, including protein predictors and evolutionary conservation, support a deleterious effect. We interpret A167S as a variant of uncertain significance.

NM_017662.5(TRPM6):c.499G>T (p.Ala167Ser)

Gene: TRPM6 (transient receptor potential cation channel subfamily M member 6; minus strand). Cytogenetic location: 9q21.13.
Variant type: single nucleotide variant.
Coding change: c.499G>T on transcript NM_017662.5 (MANE Select); coding-DNA position 499, G replaced by T.
Protein change: p.Ala167Ser; replaces alanine 167 with serine.
Molecular consequence: missense variant.
Genome position (GRCh38, 1-based): chr9:74,840,069, C>A on the plus strand (G>T on the coding strand, the complement: TRPM6 is on the minus strand). VCF-style: chr9-74840069-C-A. GRCh37 (hg19) VCF-style: chr9-77454985-C-A.
Other names: c.484G>T, p.Ala162Ser (NM_001177310.2, NM_001177311.2); short protein forms A167S, A162S.
Identifiers: ClinVar variation 546203 (VCV000546203.11), dbSNP rs141014694, ClinGen allele CA5085133.